The following is an entry in ClinVar:

ClinVar aggregate classification (germline): Benign (0 of 4 stars; one submission).

Conditions:
HELQ-related disorder. Also called: HELQ-related condition.

Allele frequency attached by ClinVar (database versions not stated): 1000 Genomes Project 0.03734; ESP Exome Variant Server 0.03798; gnomAD 0.03137; TOPMed 0.03447; gnomAD exomes 0.00318; ExAC 0.01023; 1000 Genomes Project 30x 0.03810.
gnomAD v4.1: 9,648 of 1,607,490 alleles (0.6%); highest among the groups gnomAD compares: African/African-American, 11%; 491 homozygotes.

Submission:

PreventionGenetics, part of Exact Sciences
Classification: Benign for HELQ-related condition. Last evaluated: 2019-03-15. Review status: no assertion criteria provided. Collection method: clinical testing. Allele origin: germline.
Comment: This variant is classified as benign based on ACMG/AMP sequence variant interpretation guidelines (Richards et al. 2015 PMID: 25741868, with internal and published modifications).

NM_133636.5(HELQ):c.3280G>A (p.Val1094Met)

Gene: HELQ (helicase, POLQ like; minus strand). Cytogenetic location: 4q21.23.
Variant type: single nucleotide variant.
Coding change: c.3280G>A on transcript NM_133636.5 (MANE Select); coding-DNA position 3280, G replaced by A.
Protein change: p.Val1094Met; replaces valine 1094 with methionine.
Molecular consequence: missense variant.
Genome position (GRCh38, 1-based): chr4:83,407,479, C>T on the plus strand (G>A on the coding strand, the complement: HELQ is on the minus strand). VCF-style: chr4-83407479-C-T. GRCh37 (hg19) VCF-style: chr4-84328632-C-T.
Other names: c.3079G>A, p.Val1027Met (NM_001297755.2); c.1789G>A, p.Val597Met (NM_001297756.2); c.1648G>A, p.Val550Met (NM_001297757.2); short protein forms V1027M, V1094M, V550M, V597M.
Identifiers: ClinVar variation 3037625 (VCV003037625.2), dbSNP rs17006794, ClinGen allele CA2989269.